The following is an entry in ClinVar:

ClinVar aggregate classification (germline): Likely benign. Review status: criteria provided, single submitter (1 of 4 stars). 2 submissions from 2 submitters: Likely benign (1). 1 of the submissions does not count toward it. Last evaluated 2025-09-16.

Conditions:
COL18A1-related disorder. Also called: COL18A1-related condition; COL18A1-related disorders.

Allele frequency attached by ClinVar (database versions not stated): TOPMed 0.00002; gnomAD 0.00003; gnomAD exomes 0.00004; ExAC 0.00007; 1000 Genomes Project 30x 0.00016; 1000 Genomes Project 0.00020.
gnomAD v4.1: 30 of 1,608,302 alleles (0.0019%); highest among the groups gnomAD compares: African/African-American, 0.0067%; no homozygotes.

Submissions (2):

Labcorp Genetics (formerly Invitae), Labcorp
Classification: Likely benign. Last evaluated: 2025-09-16. Review status: criteria provided, single submitter. Criteria: Invitae Variant Classification Sherloc (09022015). Collection method: clinical testing. Allele origin: germline.

PreventionGenetics, part of Exact Sciences
Classification: Likely benign for COL18A1-related condition. Last evaluated: 2024-09-15. Review status: no assertion criteria provided. Collection method: clinical testing. Allele origin: germline. Not counted in ClinVar's aggregate classification.
Comment: This variant is classified as likely benign based on ACMG/AMP sequence variant interpretation guidelines (Richards et al. 2015 PMID: 25741868, with internal and published modifications).

NM_001379500.1(COL18A1):c.2869-5C>T

Genes: COL18A1 (collagen type XVIII alpha 1 chain; plus strand), SLC19A1 (solute carrier family 19 member 1; minus strand). Cytogenetic location: 21q22.3.
Variant type: single nucleotide variant.
Coding change: c.2869-5C>T on transcript NM_001379500.1 (MANE Select); 5 bases into the intron before coding-DNA position 2869, C replaced by T.
Molecular consequence: intron variant.
Genome position (GRCh38, 1-based): chr21:45,505,129, C>T. VCF-style: chr21-45505129-C-T. GRCh37 (hg19) VCF-style: chr21-46925043-C-T.
Other names: c.4114-5C>T (NM_130444.3); c.3409-5C>T (NM_030582.4); c.3400-5C>T (NM_030582.3).
Identifiers: ClinVar variation 1414081 (VCV001414081.9), dbSNP rs533456344, ClinGen allele CA10067538.
Genomic context (GRCh38, chr21:45,505,129, plus strand): 5'-AAGCTTGCCCGCCCCCAGTCCAGGGCACGAGGTAACCAGGAAGCGTCTCTTGTCGCCGTC[C>T]GTAGGGTCCCAAGGGAGAGAGCATCCGGGGCCAGCCCGGCCCACCTGGACCTCAGGGACC-3'